The following is an entry in ClinVar:

NM_020247.5(COQ8A):c.1711G>A (p.Ala571Thr)

Gene: COQ8A (coenzyme Q8A; plus strand). Cytogenetic location: 1q42.13.
Variant type: single nucleotide variant.
Coding change: c.1711G>A on transcript NM_020247.5 (MANE Select); coding-DNA position 1711, G replaced by A.
Protein change: p.Ala571Thr; replaces alanine 571 with threonine.
Molecular consequence: missense variant.
Genome position (GRCh38, 1-based): chr1:226,986,504, G>A. VCF-style: chr1-226986504-G-A. GRCh37 (hg19) VCF-style: chr1-227174205-G-A.
Other names: short protein forms A571T.
Identifiers: ClinVar variation 296026 (VCV000296026.11), dbSNP rs762900727, ClinGen allele CA1425643.

ClinVar aggregate classification (germline): Conflicting classifications of pathogenicity. Review status: criteria provided, conflicting classifications (1 of 4 stars). 4 submissions from 4 submitters: Uncertain significance (3); Likely benign (1). Last evaluated 2025-09-22.

Conditions:
Autosomal recessive ataxia due to ubiquinone deficiency. Also called: SPINOCEREBELLAR ATAXIA, AUTOSOMAL RECESSIVE 9; Coenzyme Q10 deficiency, primary, 4. Identifiers: Orphanet 139485, MedGen C2677589, MONDO:0012784, OMIM 612016.

Allele frequency attached by ClinVar (database versions not stated): gnomAD 0.00004; gnomAD exomes 0.00005 and 0.00023; TOPMed 0.00011; ExAC 0.00023.
gnomAD v4.1: 72 of 1,613,214 alleles (0.0045%); highest among the groups gnomAD compares: East Asian, 0.1%; 1 homozygote.

Submissions (4):

Labcorp Genetics (formerly Invitae), Labcorp
Classification: Likely benign. Last evaluated: 2025-09-22. Review status: criteria provided, single submitter. Criteria: Invitae Variant Classification Sherloc (09022015). Collection method: clinical testing. Allele origin: germline.

GeneDx
Classification: Uncertain significance. Last evaluated: 2025-01-13. Review status: criteria provided, single submitter. Criteria: GeneDx Variant Classification Process June 2021. Collection method: clinical testing. Allele origin: germline. Affected: yes.
Comment: In silico analysis indicates that this missense variant does not alter protein structure/function; Has not been previously published as pathogenic or benign to our knowledge

Illumina Laboratory Services, Illumina
Classification: Uncertain significance for Autosomal recessive ataxia due to ubiquinone deficiency. Last evaluated: 2018-01-12. Review status: criteria provided, single submitter. Criteria: ICSL Variant Classification Criteria 13 December 2019. Collection method: clinical testing. Allele origin: germline.

Athena Diagnostics
Classification: Uncertain significance. Last evaluated: 2017-11-01. Review status: criteria provided, single submitter. Criteria: Athena Diagnostics Criteria. Collection method: clinical testing. Allele origin: germline.